The following is an entry in ClinVar:

ClinVar aggregate classification (germline): Conflicting classifications of pathogenicity. Review status: criteria provided, conflicting classifications (1 of 4 stars). 2 submissions from 2 submitters: Likely pathogenic (1); Uncertain significance (1). Last evaluated 2025-11-05.

Conditions:
3-methylcrotonyl-CoA carboxylase 1 deficiency (MCC1D). Also called: MCC 1 deficiency; 3 Alpha methylcrotonylglycinuria 1; MCCD TYPE 1; METHYLCROTONYLGLYCINURIA TYPE I. Identifiers: Orphanet 6, MedGen CN028786, MONDO:0008861, OMIM 210200.

Allele frequency attached by ClinVar (database versions not stated): gnomAD exomes 0.00003 and 0.00014; gnomAD 0.00005; TOPMed 0.00005; ExAC 0.00012; 1000 Genomes Project 30x 0.00031; 1000 Genomes Project 0.00040.
gnomAD v4.1: 52 of 1,613,680 alleles (0.0032%); highest among the groups gnomAD compares: East Asian, 0.08%; no homozygotes.

Submissions (2):

Natera, Inc.
Classification: Likely pathogenic for 3-methylcrotonyl-CoA carboxylase 1 deficiency. Last evaluated: 2025-11-05. Review status: criteria provided, single submitter. Criteria: Natera Variant Classification Schema (03/2026). Collection method: clinical testing. Allele origin: germline.
Comment: The c.2035G>A variant in MCCC1 is a missense variant predicted to cause substitution of alanine to threonine at amino acid 679. This variant is rare in the general population with a frequency below the threshold expected for the associated phenotype(s). This variant has been observed in one or more individuals affected with the associated recessive disease, as either homozygous or compound heterozygous with a second variant (PMID: 35664874). This variant has been identified in one or more affected individuals with a phenotype highly consistent with the associated gene (PMID: 35664874). Computational prediction algorithms indicate this variant is likely to affect gene or protein function. Given the available evidence, this variant is classified as Likely Pathogenic.

Labcorp Genetics (formerly Invitae), Labcorp
Classification: Uncertain significance for 3-methylcrotonyl-CoA carboxylase 1 deficiency. Last evaluated: 2022-04-25. Review status: criteria provided, single submitter. Criteria: Invitae Variant Classification Sherloc (09022015). Collection method: clinical testing. Allele origin: germline.
Comment: This sequence change replaces alanine, which is neutral and non-polar, with threonine, which is neutral and polar, at codon 679 of the MCCC1 protein (p.Ala679Thr). This variant is present in population databases (rs202192191, gnomAD 0.1%). This variant has not been reported in the literature in individuals affected with MCCC1-related conditions. ClinVar contains an entry for this variant (Variation ID: 964865). Algorithms developed to predict the effect of missense changes on protein structure and function (SIFT, PolyPhen-2, Align-GVGD) all suggest that this variant is likely to be disruptive. In summary, the available evidence is currently insufficient to determine the role of this variant in disease. Therefore, it has been classified as a Variant of Uncertain Significance.

Literature cited by the submitters: PubMed 35664874 (cited by Natera, Inc.).

NM_020166.5(MCCC1):c.2035G>A (p.Ala679Thr)

Gene: MCCC1 (methylcrotonyl-CoA carboxylase subunit 1; minus strand). Cytogenetic location: 3q27.1.
Variant type: single nucleotide variant.
Coding change: c.2035G>A on transcript NM_020166.5 (MANE Select); coding-DNA position 2035, G replaced by A.
Protein change: p.Ala679Thr; replaces alanine 679 with threonine.
Molecular consequence: missense variant. On other transcripts: non-coding transcript variant (2).
Genome position (GRCh38, 1-based): chr3:183,017,280, C>T on the plus strand (G>A on the coding strand, the complement: MCCC1 is on the minus strand). VCF-style: chr3-183017280-C-T. GRCh37 (hg19) VCF-style: chr3-182735068-C-T.
Other names: c.1684G>A, p.Ala562Thr (NM_001293273.2); c.1708G>A, p.Ala570Thr (NM_001363880.1); short protein forms A562T, A679T, A570T.
Identifiers: ClinVar variation 964865 (VCV000964865.8), dbSNP rs202192191, ClinGen allele CA2718577.